The following is an entry in ClinVar:

ClinVar aggregate classification (germline): Uncertain significance (1 of 4 stars; one submission).

gnomAD v4.1: 9 of 1,606,582 alleles (0.00056%); highest among the groups gnomAD compares: Middle Eastern, 0.066%; no homozygotes.

Submission:

Labcorp Genetics (formerly Invitae), Labcorp
Classification: Uncertain significance. Last evaluated: 2023-12-25. Review status: criteria provided, single submitter. Criteria: Invitae Variant Classification Sherloc (09022015). Collection method: clinical testing. Allele origin: germline.
Comment: This sequence change falls in intron 11 of the ADGRE2 gene. It does not directly change the encoded amino acid sequence of the ADGRE2 protein. It affects a nucleotide within the consensus splice site. This variant is not present in population databases (gnomAD no frequency). This variant has not been reported in the literature in individuals affected with ADGRE2-related conditions. Variants that disrupt the consensus splice site are a relatively common cause of aberrant splicing (PMID: 17576681, 9536098). Algorithms developed to predict the effect of sequence changes on RNA splicing suggest that this variant is not likely to affect RNA splicing. In summary, the available evidence is currently insufficient to determine the role of this variant in disease. Therefore, it has been classified as a Variant of Uncertain Significance.

Literature cited by the submitters: PubMed 17576681; PubMed 9536098.

NM_013447.4(ADGRE2):c.1085-3T>C

Gene: ADGRE2 (adhesion G protein-coupled receptor E2; minus strand). Cytogenetic location: 19p13.12.
Variant type: single nucleotide variant.
Coding change: c.1085-3T>C on transcript NM_013447.4 (MANE Select); 3 bases into the intron before coding-DNA position 1085, T replaced by C.
Molecular consequence: intron variant.
Genome position (GRCh38, 1-based): chr19:14,756,348, A>G on the plus strand (T>C on the coding strand, the complement: ADGRE2 is on the minus strand). VCF-style: chr19-14756348-A-G. GRCh37 (hg19) VCF-style: chr19-14867160-A-G.
Other names: c.806-3T>C (NM_152917.2); c.938-3T>C (NM_152916.2); c.1085-3T>C (NM_001271052.1).
Identifiers: ClinVar variation 2999093 (VCV002999093.3), dbSNP rs2043500781, ClinGen allele CA2324544036.